The following is an entry in ClinVar:

ClinVar aggregate classification (germline): Conflicting classifications of pathogenicity. Review status: criteria provided, conflicting classifications (1 of 4 stars). 3 submissions from 3 submitters: Uncertain significance (1); Likely benign (2). Last evaluated 2025-05-18.

Conditions:
RAI1-related disorder. Also called: RAI1-related condition.

Allele frequency attached by ClinVar (database versions not stated): TOPMed below 0.00001.
gnomAD v4.1: 7 of 1,613,840 alleles (0.00043%); highest among the groups gnomAD compares: Admixed American, 0.0017%; no homozygotes.

Submissions (3):

Labcorp Genetics (formerly Invitae), Labcorp
Classification: Likely benign. Last evaluated: 2025-05-18. Review status: criteria provided, single submitter. Criteria: Invitae Variant Classification Sherloc (09022015). Collection method: clinical testing. Allele origin: germline.

PreventionGenetics, part of Exact Sciences
Classification: Likely benign for RAI1-related condition. Last evaluated: 2025-04-17. Review status: criteria provided, single submitter. Criteria: ACMG Guidelines, 2015. Collection method: clinical testing. Allele origin: germline.
Comment: This variant is classified as likely benign based on ACMG/AMP sequence variant interpretation guidelines (Richards et al. 2015 PMID: 25741868, with internal and published modifications).

GeneDx
Classification: Uncertain significance. Last evaluated: 2019-04-16. Review status: criteria provided, single submitter. Criteria: GeneDx Variant Classification Process June 2021. Collection method: clinical testing. Allele origin: germline. Affected: yes.
Comment: In silico analysis, which includes splice predictors and evolutionary conservation, suggests this variant may impact gene splicing. In the absence of RNA/functional studies, the actual effect of this sequence change is unknown.; Has not been previously published as pathogenic or benign to our knowledge

NM_030665.4(RAI1):c.5172G>T (p.Arg1724=)

Gene: RAI1 (retinoic acid induced 1; plus strand). Cytogenetic location: 17p11.2.
Variant type: single nucleotide variant.
Coding change: c.5172G>T on transcript NM_030665.4 (MANE Select); coding-DNA position 5172, G replaced by T.
Protein change: p.Arg1724=; no amino-acid change (arginine 1724 retained).
Molecular consequence: synonymous variant.
Genome position (GRCh38, 1-based): chr17:17,798,120, G>T. VCF-style: chr17-17798120-G-T. GRCh37 (hg19) VCF-style: chr17-17701434-G-T.
Identifiers: ClinVar variation 1305029 (VCV001305029.6), dbSNP rs766240657, ClinGen allele CA8419104.